The following is an entry in ClinVar:

NM_005633.4(SOS1):c.3221A>C (p.Glu1074Ala)

Gene: SOS1 (SOS Ras/Rac guanine nucleotide exchange factor 1; minus strand). Cytogenetic location: 2p22.1.
Variant type: single nucleotide variant.
Coding change: c.3221A>C on transcript NM_005633.4 (MANE Select); coding-DNA position 3221, A replaced by C.
Protein change: p.Glu1074Ala; replaces glutamic acid 1074 with alanine.
Molecular consequence: missense variant.
Genome position (GRCh38, 1-based): chr2:38,995,248, T>G on the plus strand (A>C on the coding strand, the complement: SOS1 is on the minus strand). VCF-style: chr2-38995248-T-G. GRCh37 (hg19) VCF-style: chr2-39222389-T-G.
Other names: c.3221A>C, p.Glu1074Ala (NM_001382395.1); c.3200A>C, p.Glu1067Ala (NM_001382394.1); short protein forms E1074A, E1067A.
Identifiers: ClinVar variation 1496615 (VCV001496615.6), dbSNP rs773504580, ClinGen allele CA346360755.
Genomic context (GRCh38, chr2:38,995,248, plus strand): 5'-CCAGAAGCAGGCGGAGGTGTTAACGGTGTTCTTGGAGAATTTGGTGCAGATGCTGTACTT[T>G]CTGTTTCACTTTCAGGGATCCTACTATAACTAATTTTCCTTGGCTCCTGCTGCAGAGGTG-3'
Protein context (NP_005624.2, residues 1064-1084): SYSRIPESET[Glu1074Ala]STASAPNSPR

ClinVar aggregate classification (germline): Uncertain significance (1 of 4 stars; one submission).

Conditions:
RASopathy. Also called: Noonan spectrum disorder; rasopathies. Identifiers: Orphanet 536391, MedGen C5555857, MONDO:0021060.

Submission:

Labcorp Genetics (formerly Invitae), Labcorp
Classification: Uncertain significance for RASopathy. Last evaluated: 2021-10-15. Review status: criteria provided, single submitter. Criteria: Invitae Variant Classification Sherloc (09022015). Collection method: clinical testing. Allele origin: germline.
Comment: This variant has not been reported in the literature in individuals affected with SOS1-related conditions. In summary, the available evidence is currently insufficient to determine the role of this variant in disease. Therefore, it has been classified as a Variant of Uncertain Significance. Algorithms developed to predict the effect of missense changes on protein structure and function are either unavailable or do not agree on the potential impact of this missense change (SIFT: "Deleterious"; PolyPhen-2: "Benign"; Align-GVGD: "Class C0"). This variant is not present in population databases (ExAC no frequency). This sequence change replaces glutamic acid with alanine at codon 1074 of the SOS1 protein (p.Glu1074Ala). The glutamic acid residue is highly conserved and there is a moderate physicochemical difference between glutamic acid and alanine.